The following is an entry in ClinVar:

NM_201548.5(CERKL):c.677+547G>A

Gene: CERKL (CERK like autophagy regulator; minus strand). Cytogenetic location: 2q31.3.
Variant type: single nucleotide variant.
Coding change: c.677+547G>A on transcript NM_201548.5 (MANE Select); 547 bases into the intron after coding-DNA position 677, G replaced by A.
Molecular consequence: intron variant. On other transcripts: splice acceptor variant (2).
Genome position (GRCh38, 1-based): chr2:181,565,511, C>T on the plus strand (G>A on the coding strand, the complement: CERKL is on the minus strand). VCF-style: chr2-181565511-C-T. GRCh37 (hg19) VCF-style: chr2-182430238-C-T.
Other names: c.482-15803G>A (NM_001030312.3); c.546-1G>A (NM_001160277.2); c.613+8242G>A (NM_001030313.3); c.678-1G>A (NM_001030311.3).
Identifiers: ClinVar variation 829909 (VCV000829909.9), dbSNP rs1044562973, ClinGen allele CA349742729.

ClinVar aggregate classification (germline): Conflicting classifications of pathogenicity. Review status: criteria provided, conflicting classifications (1 of 4 stars). 5 submissions from 5 submitters: Likely pathogenic (3); Uncertain significance (1). 1 of the submissions does not count toward it. Last evaluated 2026-08-21.

Conditions:
Retinitis pigmentosa 26 (RP26). Identifiers: Orphanet 791, MedGen C1842127, MONDO:0012024, OMIM 608380.
CERKL-related disorders.

gnomAD v4.1: 1 of 1,599,064 alleles (0.000063%); highest among the groups gnomAD compares: African/African-American, 0.0013%; no homozygotes.

Submissions (5):

Myriad Genetics, Inc.
Classification: Uncertain significance for Retinitis pigmentosa 26. Last evaluated: 2026-08-21. Review status: criteria provided, single submitter. Criteria: Myriad Autosomal Dominant, Autosomal Recessive and X-Linked Classification Criteria (2023). Collection method: clinical testing. Allele origin: unknown.
Comment: NM_001030311.2(CERKL):c.678-1G>A is a variant in a canonical splice site classified as a variant of uncertain significance in the context of retinitis pigmentosa, CERKL-related. c.678-1G>A has not been observed in cases with relevant disease. Relevant functional assessments of this variant are not available in the literature. c.678-1G>A has not been observed in referenced population frequency databases. In summary, there is insufficient evidence to classify NM_001030311.2(CERKL):c.678-1G>A as pathogenic or benign. Please note: this variant was assessed in the context of healthy population screening.

First Genomix Gene Laboratory, Genetic Diagnostics Department
Classification: Likely pathogenic for Retinitis pigmentosa 26. Last evaluated: 2025-03-14. Review status: criteria provided, single submitter. Criteria: ACMG Guidelines, 2015. Collection method: clinical testing. Allele origin: germline. Inheritance: Autosomal recessive inheritance. Affected: no. Observed: 1 variant allele.

Labcorp Genetics (formerly Invitae), Labcorp
Classification: Likely pathogenic. Last evaluated: 2023-04-02. Review status: criteria provided, single submitter. Criteria: Invitae Variant Classification Sherloc (09022015). Collection method: clinical testing. Allele origin: germline.
Comment: This variant has not been reported in the literature in individuals affected with CERKL-related conditions. ClinVar contains an entry for this variant (Variation ID: 829909). Algorithms developed to predict the effect of sequence changes on RNA splicing suggest that this variant may disrupt the consensus splice site. In summary, the currently available evidence indicates that the variant is pathogenic, but additional data are needed to prove that conclusively. Therefore, this variant has been classified as Likely Pathogenic. This variant is not present in population databases (gnomAD no frequency). This sequence change affects an acceptor splice site in intron 4 of the CERKL gene. It is expected to disrupt RNA splicing. Variants that disrupt the donor or acceptor splice site typically lead to a loss of protein function (PMID: 16199547), and loss-of-function variants in CERKL are known to be pathogenic (PMID: 14681825, 23591405, 24043777).

Blueprint Genetics
Classification: Likely pathogenic for CERKL-related disorders. Last evaluated: 2021-09-21. Review status: criteria provided, single submitter. Criteria: ACMG Guidelines, 2015. Collection method: clinical testing. Allele origin: germline. Affected: yes. Observed: 1 variant allele.

Bioscientia Institut fuer Medizinische Diagnostik GmbH, Sonic Healthcare
Classification: Likely pathogenic for Retinitis pigmentosa 26. Last evaluated: 2019-10-21. Review status: no assertion criteria provided. Collection method: clinical testing. Allele origin: germline. Affected: yes. Not counted in ClinVar's aggregate classification.

Literature cited by the submitters: PubMed 16199547 (cited by Labcorp Genetics (formerly Invitae), Labcorp); PubMed 14681825 (cited by Labcorp Genetics (formerly Invitae), Labcorp); PubMed 23591405 (cited by Labcorp Genetics (formerly Invitae), Labcorp); PubMed 24043777 (cited by Labcorp Genetics (formerly Invitae), Labcorp).